The following is an entry in ClinVar:

ClinVar aggregate classification (germline): Likely benign. Review status: criteria provided, multiple submitters, no conflicts (2 of 4 stars). 7 submissions from 7 submitters: Likely benign (7). Last evaluated 2026-08-01.

Conditions:
Cardiovascular phenotype. Identifiers: MedGen CN230736.
FLNC-related disorder. Also called: FLNC-related disorders; FLNC-related condition.
Distal myopathy with posterior leg and anterior hand involvement. Also called: WILLIAMS DISTAL MYOPATHY. Identifiers: Orphanet 63273, MedGen C3279722, MONDO:0013550, OMIM 614065.
Myofibrillar myopathy 5. Also called: Filaminopathy (type); FILAMINOPATHY, AUTOSOMAL DOMINANT. Identifiers: Orphanet 171445, MedGen C1836050, MONDO:0012289, OMIM 609524.
Hypertrophic cardiomyopathy 26. Also called: Cardiomyopathy, familial hypertrophic, 26. Identifiers: Orphanet 75249, MedGen C4310749, MONDO:0014883, OMIM 617047.

Allele frequency attached by ClinVar (database versions not stated): gnomAD 0.00003; TOPMed 0.00004; ESP Exome Variant Server 0.00008; 1000 Genomes Project 0.00040; 1000 Genomes Project 30x 0.00047.
gnomAD v4.1: 153 of 1,613,582 alleles (0.0095%); highest among the groups gnomAD compares: Admixed American, 0.052%; no homozygotes.

Submissions (7):

CeGaT Center for Human Genetics Tuebingen
Classification: Likely benign. Last evaluated: 2026-08-01. Review status: criteria provided, single submitter. Criteria: CeGaT Center For Human Genetics Tuebingen Variant Classification Criteria Version 2. Collection method: clinical testing. Allele origin: germline. Affected: yes. Observed: 4 variant alleles.
Comment: FLNC: BP4, BP7

Labcorp Genetics (formerly Invitae), Labcorp
Classification: Likely benign for Distal myopathy with posterior leg and anterior hand involvement; Myofibrillar myopathy 5; Hypertrophic cardiomyopathy 26. Last evaluated: 2026-02-01. Review status: criteria provided, single submitter. Criteria: Invitae Variant Classification Sherloc (09022015). Collection method: clinical testing. Allele origin: germline.

Molecular Diagnostic Laboratory for Inherited Cardiovascular Disease, Montreal Heart Institute
Classification: Likely benign. Last evaluated: 2025-04-09. Review status: criteria provided, single submitter. Criteria: ACMG Guidelines, 2015. Collection method: clinical testing. Allele origin: germline. Affected: no.

PreventionGenetics, part of Exact Sciences
Classification: Likely benign for FLNC-related condition. Last evaluated: 2025-03-24. Review status: criteria provided, single submitter. Criteria: ACMG Guidelines, 2015. Collection method: clinical testing. Allele origin: germline.
Comment: This variant is classified as likely benign based on ACMG/AMP sequence variant interpretation guidelines (Richards et al. 2015 PMID: 25741868, with internal and published modifications).

Blueprint Genetics
Classification: Likely benign. Last evaluated: 2024-03-18. Review status: criteria provided, single submitter. Criteria: ACMG Guidelines, 2015. Collection method: clinical testing. Allele origin: germline.

GeneDx
Classification: Likely benign. Last evaluated: 2020-10-19. Review status: criteria provided, single submitter. Criteria: GeneDx Variant Classification Process June 2021. Collection method: clinical testing. Allele origin: germline. Affected: yes.

Ambry Genetics
Classification: Likely benign for Cardiovascular phenotype. Last evaluated: 2020-03-05. Review status: criteria provided, single submitter. Criteria: Ambry Variant Classification Scheme 2023. Collection method: clinical testing. Allele origin: germline.

NM_001458.5(FLNC):c.2124C>T (p.Asp708=)

Genes: FLNC (filamin C; plus strand), LOC129999273 (ATAC-STARR-seq lymphoblastoid silent region 18616; plus strand). Cytogenetic location: 7q32.1.
Variant type: single nucleotide variant.
Coding change: c.2124C>T on transcript NM_001458.5 (MANE Select); coding-DNA position 2124, C replaced by T.
Protein change: p.Asp708=; no amino-acid change (aspartic acid 708 retained).
Molecular consequence: synonymous variant.
Genome position (GRCh38, 1-based): chr7:128,842,233, C>T. VCF-style: chr7-128842233-C-T. GRCh37 (hg19) VCF-style: chr7-128482287-C-T.
Other names: c.2124C>T, p.Asp708= (NM_001127487.2).
Identifiers: ClinVar variation 512684 (VCV000512684.57), dbSNP rs187481700, ClinGen allele CA4474606.